The following is an entry in ClinVar:

ClinVar aggregate classification (germline): Likely benign. Review status: criteria provided, single submitter (1 of 4 stars). 2 submissions from 2 submitters: Likely benign (1). 1 of the submissions does not count toward it. Last evaluated 2024-09-19.

Conditions:
RORB-related disorder. Also called: RORB-related condition.

Allele frequency attached by ClinVar (database versions not stated): gnomAD exomes 0.00002 and 0.00006; ExAC 0.00003; TOPMed 0.00018; ESP Exome Variant Server 0.00023; 1000 Genomes Project 30x 0.00031; 1000 Genomes Project 0.00040.
gnomAD v4.1: 50 of 1,614,176 alleles (0.0031%); highest among the groups gnomAD compares: African/African-American, 0.051%; no homozygotes.

Submissions (2):

Labcorp Genetics (formerly Invitae), Labcorp
Classification: Likely benign. Last evaluated: 2024-09-19. Review status: criteria provided, single submitter. Criteria: Invitae Variant Classification Sherloc (09022015). Collection method: clinical testing. Allele origin: germline.

PreventionGenetics, part of Exact Sciences
Classification: Likely benign for RORB-related condition. Last evaluated: 2019-11-14. Review status: no assertion criteria provided. Collection method: clinical testing. Allele origin: germline. Not counted in ClinVar's aggregate classification.
Comment: This variant is classified as likely benign based on ACMG/AMP sequence variant interpretation guidelines (Richards et al. 2015 PMID: 25741868, with internal and published modifications).

NM_006914.4(RORB):c.444C>T (p.Asp148=)

Gene: RORB (RAR related orphan receptor B; plus strand). Cytogenetic location: 9q21.13.
Variant type: single nucleotide variant.
Coding change: c.444C>T on transcript NM_006914.4 (MANE Select); coding-DNA position 444, C replaced by T.
Protein change: p.Asp148=; no amino-acid change (aspartic acid 148 retained).
Molecular consequence: synonymous variant.
Genome position (GRCh38, 1-based): chr9:74,642,622, C>T. VCF-style: chr9-74642622-C-T. GRCh37 (hg19) VCF-style: chr9-77257538-C-T.
Other names: c.477C>T, p.Asp159= (NM_001365023.1); c.444C>T (NM_006914.3).
Identifiers: ClinVar variation 1661931 (VCV001661931.10), dbSNP rs146275488, ClinGen allele CA5083371.